The following is an entry in ClinVar:

NM_000077.5(CDKN2A):c.53C>A (p.Thr18Lys)

Gene: CDKN2A (cyclin dependent kinase inhibitor 2A; minus strand). Cytogenetic location: 9p21.3.
Variant type: single nucleotide variant.
Coding change: c.53C>A on transcript NM_000077.5; coding-DNA position 53, C replaced by A.
Protein change: p.Thr18Lys; replaces threonine 18 with lysine.
Molecular consequence: missense variant (on NM_000077.6). On other transcripts: intron variant (2).
Genome position (GRCh38, 1-based): chr9:21,974,775, G>T on the plus strand (C>A on the coding strand, the complement: CDKN2A is on the minus strand). VCF-style: chr9-21974775-G-T. GRCh37 (hg19) VCF-style: chr9-21974774-G-T.
Other names: c.53C>A, p.Thr18Lys (NM_000077.6, NM_001195132.2, NM_058197.5); c.-3-3567C>A (NM_001363763.2); c.194-3567C>A (NM_058195.4); short protein forms T18K.
Identifiers: ClinVar variation 491580 (VCV000491580.10), dbSNP rs560518923, ClinGen allele CA5012329.

ClinVar aggregate classification (germline): Uncertain significance. Review status: criteria provided, multiple submitters, no conflicts (2 of 4 stars). 3 submissions from 3 submitters: Uncertain significance (3). Last evaluated 2025-11-22.

Conditions:
Hereditary cancer-predisposing syndrome. Also called: Tumor predisposition; Hereditary Cancer Syndrome; Neoplastic Syndromes, Hereditary; Hereditary neoplastic syndrome. Identifiers: Orphanet 140162, MedGen C0027672, MeSH D009386, MONDO:0015356.
Familial melanoma. Also called: Hereditary melanoma; Hereditary cutaneous melanoma. Identifiers: Orphanet 618, MedGen C1512419, MONDO:0018961.

Allele frequency attached by ClinVar (database versions not stated): gnomAD exomes below 0.00001; ExAC 0.00001; gnomAD 0.00001; 1000 Genomes Project 0.00020; 1000 Genomes Project 30x 0.00031.
gnomAD v4.1: 1 of 1,606,662 alleles (0.000062%); highest among the groups gnomAD compares: African/African-American, 0.0013%; no homozygotes.

Submissions (3):

Labcorp Genetics (formerly Invitae), Labcorp
Classification: Uncertain significance for Familial melanoma. Last evaluated: 2025-11-22. Review status: criteria provided, single submitter. Criteria: Invitae Variant Classification Sherloc (09022015). Collection method: clinical testing. Allele origin: germline.
Comment: This sequence change replaces threonine, which is neutral and polar, with lysine, which is basic and polar, at codon 18 of the CDKN2A (p16INK4a) protein (p.Thr18Lys). This variant is present in population databases (rs560518923, gnomAD 0.008%). This variant has not been reported in the literature in individuals affected with CDKN2A (p16INK4a)-related conditions. ClinVar contains an entry for this variant (Variation ID: 491580). An algorithm developed to predict the effect of missense changes on protein structure and function (PolyPhen-2) suggests that this variant is likely to be tolerated. In summary, the available evidence is currently insufficient to determine the role of this variant in disease. Therefore, it has been classified as a Variant of Uncertain Significance.

Ambry Genetics
Classification: Uncertain significance for Hereditary cancer-predisposing syndrome. Last evaluated: 2022-06-16. Review status: criteria provided, single submitter. Criteria: Ambry Variant Classification Scheme 2023. Collection method: clinical testing. Allele origin: germline.
Comment: The p.T18K variant (also known as c.53C>A), located in coding exon 1 of the CDKN2A gene, results from a C to A substitution at nucleotide position 53. The threonine at codon 18 is replaced by lysine, an amino acid with similar properties. This amino acid position is poorly conserved in available vertebrate species. In addition, this alteration is predicted to be tolerated by in silico analysis. Since supporting evidence is limited at this time, the clinical significance of this alteration remains unclear.

Color Diagnostics, LLC DBA Color Health
Classification: Uncertain significance for Hereditary cancer-predisposing syndrome. Last evaluated: 2018-09-02. Review status: criteria provided, single submitter. Criteria: ACMG Guidelines, 2015. Collection method: clinical testing. Allele origin: germline.